The following is an entry in ClinVar:

ClinVar aggregate classification (germline): Likely benign (1 of 4 stars; one submission).

Allele frequency attached by ClinVar (database versions not stated): gnomAD exomes 0.00001; ExAC 0.00003; gnomAD 0.00007; ESP Exome Variant Server 0.00008; TOPMed 0.00011; 1000 Genomes Project 30x 0.00016; 1000 Genomes Project 0.00020.

Submission:

CeGaT Center for Human Genetics Tuebingen
Classification: Likely benign. Last evaluated: 2022-05-01. Review status: criteria provided, single submitter. Criteria: CeGaT Center For Human Genetics Tuebingen Variant Classification Criteria Version 2. Collection method: clinical testing. Allele origin: germline. Affected: yes. Observed: 1 variant allele.
Comment: SERTAD2: BP4, BP7

NM_014755.3(SERTAD2):c.699G>A (p.Thr233=)

Gene: SERTAD2 (SERTA domain containing 2; minus strand). Cytogenetic location: 2p14.
Variant type: single nucleotide variant.
Coding change: c.699G>A on transcript NM_014755.3 (MANE Select); coding-DNA position 699, G replaced by A.
Protein change: p.Thr233=; no amino-acid change (threonine 233 retained).
Molecular consequence: synonymous variant.
Genome position (GRCh38, 1-based): chr2:64,636,173, C>T on the plus strand (G>A on the coding strand, the complement: SERTAD2 is on the minus strand). VCF-style: chr2-64636173-C-T. GRCh37 (hg19) VCF-style: chr2-64863307-C-T.
Identifiers: ClinVar variation 2651003 (VCV002651003.24), dbSNP rs138209707, ClinGen allele CA1685569.